The following is an entry in ClinVar:

ClinVar aggregate classification (germline): Conflicting classifications of pathogenicity. Review status: criteria provided, conflicting classifications (1 of 4 stars). 6 submissions from 6 submitters: Uncertain significance (4); Likely benign (1). 1 of the submissions does not count toward it. Last evaluated 2025-04-03.

Conditions:
Hereditary cancer-predisposing syndrome. Also called: Tumor predisposition; Hereditary Cancer Syndrome; Neoplastic Syndromes, Hereditary; Hereditary neoplastic syndrome. Identifiers: Orphanet 140162, MedGen C0027672, MeSH D009386, MONDO:0015356.
Hereditary breast ovarian cancer syndrome. Also called: Hereditary breast and ovarian cancer; Breast and ovarian cancer; Hereditary breast and/or ovarian cancer syndrome; BRCA1- and BRCA2-Associated Hereditary Breast and Ovarian Cancer; Hereditary breast and ovarian cancer syndrome; Hereditary breast and ovarian cancer syndrome (HBOC). Identifiers: Orphanet 145, MedGen C0677776, MeSH D061325, MONDO:0003582. Disease mechanism: loss of function.
Breast-ovarian cancer, familial, susceptibility to, 2 (BROVCA2). Also called: BRCA2 Hereditary Breast and Ovarian Cancer. Identifiers: Orphanet 145, MedGen C2675520, MONDO:0012933, OMIM 612555. Disease mechanism: loss of function.

Submissions (6):

Labcorp Genetics (formerly Invitae), Labcorp
Classification: Uncertain significance for Hereditary breast ovarian cancer syndrome. Last evaluated: 2025-04-03. Review status: criteria provided, single submitter. Criteria: Invitae Variant Classification Sherloc (09022015). Collection method: clinical testing. Allele origin: germline.
Comment: This sequence change replaces serine, which is neutral and polar, with threonine, which is neutral and polar, at codon 775 of the BRCA2 protein (p.Ser775Thr). This variant is not present in population databases (gnomAD no frequency). This variant has not been reported in the literature in individuals affected with BRCA2-related conditions. ClinVar contains an entry for this variant (Variation ID: 252820). Invitae Evidence Modeling of protein sequence and biophysical properties (such as structural, functional, and spatial information, amino acid conservation, physicochemical variation, residue mobility, and thermodynamic stability) indicates that this missense variant is not expected to disrupt BRCA2 protein function with a negative predictive value of 95%. In summary, the available evidence is currently insufficient to determine the role of this variant in disease. Therefore, it has been classified as a Variant of Uncertain Significance.

Ambry Genetics
Classification: Uncertain significance for Hereditary cancer-predisposing syndrome. Last evaluated: 2025-02-18. Review status: criteria provided, single submitter. Criteria: Ambry Variant Classification Scheme 2023. Collection method: clinical testing. Allele origin: germline.

Women's Health and Genetics/Laboratory Corporation of America, LabCorp
Classification: Uncertain significance. Last evaluated: 2024-09-08. Review status: criteria provided, single submitter. Criteria: LabCorp Variant Classification Summary - May 2015. Collection method: clinical testing. Allele origin: germline.

Color Diagnostics, LLC DBA Color Health
Classification: Uncertain significance for Hereditary cancer-predisposing syndrome. Last evaluated: 2024-04-29. Review status: criteria provided, single submitter. Criteria: ACMG Guidelines, 2015. Collection method: clinical testing. Allele origin: germline.
Comment: This missense variant replaces serine with threonine at codon 775 of the BRCA2 protein. Computational prediction suggests that this variant may not impact protein structure and function. To our knowledge, functional studies have not been reported for this variant. This variant has not been reported in individuals affected with BRCA2-related disorders in the literature. This variant has not been identified in the general population by the Genome Aggregation Database (gnomAD). The available evidence is insufficient to determine the role of this variant in disease conclusively. Therefore, this variant is classified as a Variant of Uncertain Significance.

University of Washington Department of Laboratory Medicine, University of Washington
Classification: Likely benign for Hereditary cancer-predisposing syndrome. Last evaluated: 2023-03-23. Review status: criteria provided, single submitter. Criteria: Dines et al. (Genet Med. 2020). Collection method: curation. Allele origin: germline.
Comment: Missense variant in a coldspot region where missense variants are very unlikely to be pathogenic (PMID:31911673).

BRCA2 exon 11 coldspot. Reclassification based on statistical prior probability.

Sharing Clinical Reports Project (SCRP)
Classification: Uncertain significance for Breast-ovarian cancer, familial 2. Last evaluated: 2011-09-16. Review status: no assertion criteria provided. Collection method: clinical testing. Allele origin: germline. Not counted in ClinVar's aggregate classification.

NM_000059.4(BRCA2):c.2323T>A (p.Ser775Thr)

Gene: BRCA2 (BRCA2 DNA repair associated; plus strand). Cytogenetic location: 13q13.1.
Variant type: single nucleotide variant.
Coding change: c.2323T>A on transcript NM_000059.4 (MANE Select); coding-DNA position 2323, T replaced by A.
Protein change: p.Ser775Thr; replaces serine 775 with threonine.
Molecular consequence: missense variant.
Genome position (GRCh38, 1-based): chr13:32,336,678, T>A. VCF-style: chr13-32336678-T-A. GRCh37 (hg19) VCF-style: chr13-32910815-T-A.
Other names: 2551T>A; short protein forms S775T.
Identifiers: ClinVar variation 252820 (VCV000252820.17), dbSNP rs879255444, ClinGen allele CA10586059.